The following is an entry in ClinVar:

ClinVar aggregate classification (germline): Likely pathogenic. Review status: criteria provided, multiple submitters, no conflicts (2 of 4 stars). 3 submissions from 3 submitters: Likely pathogenic (3). Last evaluated 2025-08-28.

Conditions:
Acyl-CoA oxidase deficiency. Also called: STRAIGHT-CHAIN ACYL-CoA OXIDASE DEFICIENCY; Pseudoneonatal adrenoleukodystrophy; Peroxisomal acyl-CoA oxidase deficiency. Identifiers: Orphanet 2971, MedGen C1849678, MONDO:0009919, OMIM 264470. Disease mechanism: loss of function.
Mitchell syndrome. Identifiers: Orphanet 631248, MedGen C5394554, MONDO:0030073, OMIM 618960.

Allele frequency attached by ClinVar (database versions not stated): gnomAD exomes below 0.00001; TOPMed below 0.00001; ExAC 0.00001; gnomAD 0.00001.

Submissions (4):

Natera, Inc.
Classification: Likely pathogenic for Peroxisomal acyl-CoA oxidase deficiency. Last evaluated: 2025-08-28. Review status: criteria provided, single submitter. Criteria: Natera Variant Classification Schema (03/2026). Collection method: clinical testing. Allele origin: germline.
Comment: The c.1729-2del variant in ACOX1 is a canonical splice acceptor site variant predicted to affect pre-mRNA splicing, which may result in an abnormal transcript and altered protein product. This variant is expected to result in nonsense mediated decay, truncation, or a dysfunctional protein product. This variant is rare in the general population with a frequency below the threshold expected for the associated phenotype(s). Given the available evidence, this variant is classified as Likely Pathogenic.

Labcorp Genetics (formerly Invitae), Labcorp
Classification: Likely pathogenic for Acyl-CoA oxidase deficiency. Last evaluated: 2024-01-29. Review status: criteria provided, single submitter. Criteria: Invitae Variant Classification Sherloc (09022015). Collection method: clinical testing. Allele origin: germline.
Comment: This sequence change affects a splice site in intron 12 of the ACOX1 gene. It is expected to disrupt RNA splicing. Variants that disrupt the donor or acceptor splice site typically lead to a loss of protein function (PMID: 16199547), and loss-of-function variants in ACOX1 are known to be pathogenic (PMID: 8040306, 17458872). This variant is not present in population databases (gnomAD no frequency). This variant has not been reported in the literature in individuals affected with ACOX1-related conditions. Algorithms developed to predict the effect of sequence changes on RNA splicing suggest that this variant may disrupt the consensus splice site. In summary, the currently available evidence indicates that the variant is pathogenic, but additional data are needed to prove that conclusively. Therefore, this variant has been classified as Likely Pathogenic.

Baylor Genetics
Classification: Likely pathogenic for Mitchell syndrome. Last evaluated: 2023-02-06. Review status: criteria provided, single submitter. Criteria: ACMG Guidelines, 2015. Collection method: clinical testing. Allele origin: unknown.

Dr. Peter K. Rogan Lab, Western University
No classification provided (evidence only). Condition: Gastric cancer. Review status: no classification provided. Collection method: in vitro. Allele origin: not applicable. Functional consequence: retained intron. Not counted in ClinVar's aggregate classification.

Literature cited by the submitters: PubMed 16199547 (cited by Labcorp Genetics (formerly Invitae), Labcorp); PubMed 8040306 (cited by Labcorp Genetics (formerly Invitae), Labcorp); PubMed 17458872 (cited by Labcorp Genetics (formerly Invitae), Labcorp).

NM_004035.7(ACOX1):c.1729-2del

Gene: ACOX1 (acyl-CoA oxidase 1; minus strand). Cytogenetic location: 17q25.1.
Variant type: Deletion.
Coding change: c.1729-2del on transcript NM_004035.7 (MANE Select); the canonical splice acceptor site of the intron before coding-DNA position 1729, one base deleted (A; older notation c.1729-2delA).
Molecular consequence: splice acceptor variant.
Genome position (GRCh38, 1-based): chr17:75,948,459, T deleted on the plus strand (A on the coding strand, the reverse complement: ACOX1 is on the minus strand). VCF-style (leftmost placement, unchanged base first): chr17-75948458-CT-C. GRCh37 (hg19) VCF-style: chr17-73944539-CT-C.
Other names: c.1729-2del (NM_004035.6, NM_007292.6); c.1615-2del (NM_001185039.2).
Identifiers: ClinVar variation 2680353 (VCV002680353.6), dbSNP rs772934120, ClinGen allele CA8776671.
Genomic context (GRCh38, chr17:75,948,458, plus strand): 5'-GAGTAACTCCTTTACACGCTGGTTTACTTGTGTAATCTGAGGCTCTGTCATGATGCTCCC[CT>C]AAAAGAGACCAAAATAAGTAAATAAAACATATATATGTATATAGATAGACATAATTATAT-3'